The following is an entry in ClinVar:

NM_198578.4(LRRK2):c.6959G>T (p.Gly2320Val)

Gene: LRRK2 (leucine rich repeat kinase 2; plus strand). Cytogenetic location: 12q12.
Variant type: single nucleotide variant.
Coding change: c.6959G>T on transcript NM_198578.4 (MANE Select); coding-DNA position 6959, G replaced by T.
Protein change: p.Gly2320Val; replaces glycine 2320 with valine.
Molecular consequence: missense variant.
Genome position (GRCh38, 1-based): chr12:40,359,375, G>T. VCF-style: chr12-40359375-G-T. GRCh37 (hg19) VCF-style: chr12-40753177-G-T.
Other names: short protein forms G2320V.
Identifiers: ClinVar variation 1756306 (VCV001756306.2), dbSNP rs2500012363, ClinGen allele CA384411895.

ClinVar aggregate classification (germline): Uncertain significance (1 of 4 stars; one submission).

Conditions:
Inborn genetic diseases. Identifiers: MedGen C0950123, MeSH D030342.

Submission:

Ambry Genetics
Classification: Uncertain significance for Inborn genetic diseases. Last evaluated: 2024-01-07. Review status: criteria provided, single submitter. Criteria: Ambry Variant Classification Scheme 2023. Collection method: clinical testing. Allele origin: germline.
Comment: The p.G2320V variant (also known as c.6959G>T), located in coding exon 47 of the LRRK2 gene, results from a G to T substitution at nucleotide position 6959. The glycine at codon 2320 is replaced by valine, an amino acid with dissimilar properties. This amino acid position is conserved. In addition, this alteration is predicted to be deleterious by in silico analysis. Since supporting evidence is limited at this time, the clinical significance of this alteration remains unclear.